The following is an entry in ClinVar:

ClinVar aggregate classification (germline): Likely benign (1 of 4 stars; one submission).

Submission:

CeGaT Center for Human Genetics Tuebingen
Classification: Likely benign. Last evaluated: 2026-09-01. Review status: criteria provided, single submitter. Criteria: CeGaT Center For Human Genetics Tuebingen Variant Classification Criteria Version 2. Collection method: clinical testing. Allele origin: germline. Affected: yes. Observed: 1 variant allele.
Comment: COX10: PM2:Supporting, BP4, BP7

NM_001303.4(COX10):c.738G>T (p.Pro246=)

Genes: COX10 (cytochrome c oxidase assembly factor heme A:farnesyltransferase COX10; plus strand), LOC105943586 (distal CMT1A-REP; plus strand). Cytogenetic location: 17p12.
Variant type: single nucleotide variant.
Coding change: c.738G>T on transcript NM_001303.4 (MANE Select); coding-DNA position 738, G replaced by T.
Protein change: p.Pro246=; no amino-acid change (proline 246 retained).
Molecular consequence: synonymous variant.
Genome position (GRCh38, 1-based): chr17:14,192,031, G>T. VCF-style: chr17-14192031-G-T. GRCh37 (hg19) VCF-style: chr17-14095348-G-T.
Identifiers: ClinVar variation 5041023 (VCV005041023.1).
Genomic context (GRCh38, chr17:14,192,031, plus strand): 5'-TCTCTGCTCTTTTTCCAGCCCATTGCTAGCTGTGTCCTTTGCCACTTGTTGTGCTGTTCC[G>T]GGAGTTGCCATTCTGACCTTGGGGGTGAATCCACTCACAGGAGCCCTGGGGCTCTTCAAC-3'
Protein context (NP_001294.2, residues 236-256): AVSFATCCAV[Pro246=]GVAILTLGVN